The following is an entry in ClinVar:

ClinVar aggregate classification (germline): Uncertain significance (1 of 4 stars; one submission).

Conditions:
Breast-ovarian cancer, familial, susceptibility to, 4. Identifiers: Orphanet 145, MedGen C3280345, MONDO:0013669, OMIM 614291.

Submission:

Labcorp Genetics (formerly Invitae), Labcorp
Classification: Uncertain significance for Breast-ovarian cancer, familial, susceptibility to, 4. Last evaluated: 2022-12-27. Review status: criteria provided, single submitter. Criteria: Invitae Variant Classification Sherloc (09022015). Collection method: clinical testing. Allele origin: germline.
Comment: This variant is not present in population databases (gnomAD no frequency). This sequence change replaces valine, which is neutral and non-polar, with glycine, which is neutral and non-polar, at codon 170 of the RAD51D protein (p.Val170Gly). This variant has not been reported in the literature in individuals affected with RAD51D-related conditions. In summary, the available evidence is currently insufficient to determine the role of this variant in disease. Therefore, it has been classified as a Variant of Uncertain Significance. Advanced modeling of protein sequence and biophysical properties (such as structural, functional, and spatial information, amino acid conservation, physicochemical variation, residue mobility, and thermodynamic stability) performed at Invitae indicates that this missense variant is not expected to disrupt RAD51D protein function.

NM_002878.4(RAD51D):c.509T>G (p.Val170Gly)

Genes: RAD51L3-RFFL (RAD51L3-RFFL readthrough; minus strand), RAD51D (RAD51 paralog D; minus strand). Cytogenetic location: 17q12.
Variant type: single nucleotide variant.
Coding change: c.509T>G on transcript NM_002878.4 (MANE Select); coding-DNA position 509, T replaced by G.
Protein change: p.Val170Gly; replaces valine 170 with glycine.
Molecular consequence: missense variant. On other transcripts: non-coding transcript variant (3).
Genome position (GRCh38, 1-based): chr17:35,106,453, A>C on the plus strand (T>G on the coding strand, the complement: RAD51D is on the minus strand). VCF-style: chr17-35106453-A-C. GRCh37 (hg19) VCF-style: chr17-33433472-A-C.
Other names: c.569T>G, p.Val190Gly (NM_001142571.2); c.173T>G, p.Val58Gly (NM_133629.3); short protein forms V190G, V170G, V58G.
Identifiers: ClinVar variation 2823700 (VCV002823700.3), dbSNP rs370679685, ClinGen allele CA399088913.